The following is an entry in ClinVar:

NM_000085.5(CLCNKB):c.806C>T (p.Thr269Ile)

Genes: CLCNKB (chloride voltage-gated channel Kb; plus strand), LOC106501713 (CLCNKB recombination region; plus strand). Cytogenetic location: 1p36.13.
Variant type: single nucleotide variant.
Coding change: c.806C>T on transcript NM_000085.5 (MANE Select); coding-DNA position 806, C replaced by T.
Protein change: p.Thr269Ile; replaces threonine 269 with isoleucine.
Molecular consequence: missense variant.
Genome position (GRCh38, 1-based): chr1:16,049,642, C>T. VCF-style: chr1-16049642-C-T. GRCh37 (hg19) VCF-style: chr1-16376137-C-T.
Other names: c.299C>T, p.Thr100Ile (NM_001165945.2); short protein forms T269I, T100I.
Identifiers: ClinVar variation 1956895 (VCV001956895.5), dbSNP rs2124096004, ClinGen allele CA338637788.

ClinVar aggregate classification (germline): Uncertain significance (1 of 4 stars; one submission).

Submission:

Labcorp Genetics (formerly Invitae), Labcorp
Classification: Uncertain significance. Last evaluated: 2022-04-12. Review status: criteria provided, single submitter. Criteria: Invitae Variant Classification Sherloc (09022015). Collection method: clinical testing. Allele origin: germline.
Comment: In summary, the available evidence is currently insufficient to determine the role of this variant in disease. Therefore, it has been classified as a Variant of Uncertain Significance. Advanced modeling of protein sequence and biophysical properties (such as structural, functional, and spatial information, amino acid conservation, physicochemical variation, residue mobility, and thermodynamic stability) performed at Invitae indicates that this missense variant is expected to disrupt CLCNKB protein function. This variant has not been reported in the literature in individuals affected with CLCNKB-related conditions. This variant is not present in population databases (gnomAD no frequency). This sequence change replaces threonine, which is neutral and polar, with isoleucine, which is neutral and non-polar, at codon 269 of the CLCNKB protein (p.Thr269Ile).